The following is an entry in ClinVar:

ClinVar aggregate classification (germline): Uncertain significance (1 of 4 stars; one submission).

gnomAD v4.1: 8 of 1,610,858 alleles (0.0005%); highest among the groups gnomAD compares: Non-Finnish European, 0.00059%; no homozygotes.

Submission:

Labcorp Genetics (formerly Invitae), Labcorp
Classification: Uncertain significance. Last evaluated: 2023-06-15. Review status: criteria provided, single submitter. Criteria: Invitae Variant Classification Sherloc (09022015). Collection method: clinical testing. Allele origin: germline.
Comment: This sequence change replaces glycine, which is neutral and non-polar, with arginine, which is basic and polar, at codon 99 of the WNT3A protein (p.Gly99Arg). In summary, the available evidence is currently insufficient to determine the role of this variant in disease. Therefore, it has been classified as a Variant of Uncertain Significance. Advanced modeling of protein sequence and biophysical properties (such as structural, functional, and spatial information, amino acid conservation, physicochemical variation, residue mobility, and thermodynamic stability) performed at Invitae indicates that this missense variant is not expected to disrupt WNT3A protein function. This variant has not been reported in the literature in individuals affected with WNT3A-related conditions. This variant is not present in population databases (gnomAD no frequency).

NM_033131.4(WNT3A):c.295G>A (p.Gly99Arg)

Gene: WNT3A (Wnt family member 3A; plus strand). Cytogenetic location: 1q42.13.
Variant type: single nucleotide variant.
Coding change: c.295G>A on transcript NM_033131.4 (MANE Select); coding-DNA position 295, G replaced by A.
Protein change: p.Gly99Arg; replaces glycine 99 with arginine.
Molecular consequence: missense variant.
Genome position (GRCh38, 1-based): chr1:228,022,890, G>A. VCF-style: chr1-228022890-G-A. GRCh37 (hg19) VCF-style: chr1-228210591-G-A.
Other names: short protein forms G99R.
Identifiers: ClinVar variation 2984042 (VCV002984042.3), dbSNP rs2102765307, ClinGen allele CA345334099.